The following is an entry in ClinVar:

ClinVar aggregate classification (germline): Likely benign (1 of 4 stars; one submission).

gnomAD v4.1: 285 of 1,614,164 alleles (0.018%); highest among the groups gnomAD compares: Middle Eastern, 0.21%; no homozygotes.

Submission:

CeGaT Center for Human Genetics Tuebingen
Classification: Likely benign. Last evaluated: 2023-03-01. Review status: criteria provided, single submitter. Criteria: CeGaT Center For Human Genetics Tuebingen Variant Classification Criteria Version 2. Collection method: clinical testing. Allele origin: germline. Affected: yes. Observed: 3 variant alleles.
Comment: TANC1: BP4, BP7

NM_033394.3(TANC1):c.3756C>A (p.Ile1252=)

Gene: TANC1 (tetratricopeptide repeat, ankyrin repeat and coiled-coil containing 1; plus strand). Cytogenetic location: 2q24.2.
Variant type: single nucleotide variant.
Coding change: c.3756C>A on transcript NM_033394.3 (MANE Select); coding-DNA position 3756, C replaced by A.
Protein change: p.Ile1252=; no amino-acid change (isoleucine 1252 retained).
Molecular consequence: synonymous variant.
Genome position (GRCh38, 1-based): chr2:159,224,309, C>A. VCF-style: chr2-159224309-C-A. GRCh37 (hg19) VCF-style: chr2-160080820-C-A.
Other names: c.3732C>A, p.Ile1244= (NM_001145909.2); c.3153C>A, p.Ile1051= (NM_001350062.2); c.3387C>A, p.Ile1129= (NM_001350063.2); c.3735C>A, p.Ile1245= (NM_001350064.2, NM_001350065.2).
Identifiers: ClinVar variation 2651454 (VCV002651454.24), dbSNP rs201866379, ClinGen allele CA1922747.
Genomic context (GRCh38, chr2:159,224,309, plus strand): 5'-GAAGGGAGCCGTGATCGAGCATGTGGACCACAGCGGGATGCGGCCCTTGGACAGAGCCAT[C>A]GGCTGCCGGAACACATCTGTAGTGGTGGCGCTACTCAGAAAGGGAGCCAAGTTAGGTCAG-3'
Protein context (NP_203752.2, residues 1242-1262): HSGMRPLDRA[Ile1252=]GCRNTSVVVA